The following is an entry in ClinVar:

NM_001288705.3(CSF1R):c.1083-8T>C

Gene: CSF1R (colony stimulating factor 1 receptor; minus strand). Cytogenetic location: 5q32.
Variant type: single nucleotide variant.
Coding change: c.1083-8T>C on transcript NM_001288705.3 (MANE Select); 8 bases into the intron before coding-DNA position 1083, T replaced by C.
Molecular consequence: intron variant.
Genome position (GRCh38, 1-based): chr5:150,070,579, A>G on the plus strand (T>C on the coding strand, the complement: CSF1R is on the minus strand). VCF-style: chr5-150070579-A-G. GRCh37 (hg19) VCF-style: chr5-149450142-A-G.
Other names: p.?; c.639-8T>C (NM_001375321.1); c.1083-8T>C (NM_005211.4, NM_001375320.1, NM_001349736.2).
Identifiers: ClinVar variation 352158 (VCV000352158.15), dbSNP rs41428145, ClinGen allele CA3506947.

ClinVar aggregate classification (germline): Benign. Review status: criteria provided, multiple submitters, no conflicts (2 of 4 stars). 3 submissions from 3 submitters: Benign (3). Last evaluated 2026-01-05.

Conditions:
Hereditary diffuse leukoencephalopathy with spheroids. Also called: LEUKOENCEPHALOPATHY, ADULT-ONSET, WITH AXONAL SPHEROIDS AND PIGMENTED GLIA. Identifiers: Orphanet 313808, MedGen C3711381, MONDO:0030796.

Allele frequency attached by ClinVar (database versions not stated): ESP Exome Variant Server 0.01085; gnomAD exomes 0.00086 and 0.00267; ExAC 0.00818; 1000 Genomes Project 0.00958; gnomAD 0.00987 and 0.01068; TOPMed 0.01066.
gnomAD v4.1: 2,707 of 1,507,656 alleles (0.18%); highest among the groups gnomAD compares: African/African-American, 3.4%; 54 homozygotes.

Submissions (3):

Labcorp Genetics (formerly Invitae), Labcorp
Classification: Benign. Last evaluated: 2026-01-05. Review status: criteria provided, single submitter. Criteria: Invitae Variant Classification Sherloc (09022015). Collection method: clinical testing. Allele origin: germline.

Mayo Clinic Laboratories, Mayo Clinic
Classification: Benign. Last evaluated: 2024-11-04. Review status: criteria provided, single submitter. Criteria: ACMG Guidelines, 2015. Collection method: clinical testing. Allele origin: germline. Observed: 7 variant alleles.
Comment: BS1, BS2, BP4, BP7

Illumina Laboratory Services, Illumina
Classification: Benign for Leukoencephalopathy, diffuse hereditary, with spheroids 1. Last evaluated: 2018-01-12. Review status: criteria provided, single submitter. Criteria: ICSL Variant Classification Criteria 13 December 2019. Collection method: clinical testing. Allele origin: germline.
Comment: This variant was observed in the ICSL laboratory as part of a predisposition screen in an ostensibly healthy population. It had not been previously curated by ICSL or reported in the Human Gene Mutation Database (HGMD: prior to June 1st, 2018), and was therefore a candidate for classification through an automated scoring system. Utilizing variant allele frequency, disease prevalence and penetrance estimates, and inheritance mode, an automated score was calculated to assess if this variant is too frequent to cause the disease. Based on the score and internal cut-off values, a variant classified as benign is not then subjected to further curation. The score for this variant resulted in a classification of benign for this disease.